The following is an entry in ClinVar:

ClinVar aggregate classification (germline): Uncertain significance (1 of 4 stars; one submission).

Allele frequency attached by ClinVar (database versions not stated): gnomAD 0.00003; ExAC 0.00006; gnomAD exomes 0.00004.
gnomAD v4.1: 40 of 1,490,132 alleles (0.0027%); highest among the groups gnomAD compares: Non-Finnish European, 0.0037%; no homozygotes.

Submission:

Labcorp Genetics (formerly Invitae), Labcorp
Classification: Uncertain significance. Last evaluated: 2022-10-13. Review status: criteria provided, single submitter. Criteria: Invitae Variant Classification Sherloc (09022015). Collection method: clinical testing. Allele origin: germline.
Comment: This sequence change falls in intron 19 of the ATP8A2 gene. It does not directly change the encoded amino acid sequence of the ATP8A2 protein. It affects a nucleotide within the consensus splice site. This variant is present in population databases (rs757702116, gnomAD 0.009%). This variant has not been reported in the literature in individuals affected with ATP8A2-related conditions. ClinVar contains an entry for this variant (Variation ID: 1441874). Variants that disrupt the consensus splice site are a relatively common cause of aberrant splicing (PMID: 17576681, 9536098). Algorithms developed to predict the effect of sequence changes on RNA splicing suggest that this variant may disrupt the consensus splice site. In summary, the available evidence is currently insufficient to determine the role of this variant in disease. Therefore, it has been classified as a Variant of Uncertain Significance.

Literature cited by the submitters: PubMed 17576681; PubMed 9536098.

NM_016529.6(ATP8A2):c.1712+3A>C

Gene: ATP8A2 (ATPase phospholipid transporting 8A2). Cytogenetic location: 13q12.13.
Variant type: single nucleotide variant.
Coding change: c.1712+3A>C on transcript NM_016529.6 (MANE Select); 3 bases into the intron after coding-DNA position 1712, A replaced by C.
Molecular consequence: intron variant.
Genome position (GRCh38, 1-based): chr13:25,574,860, A>C. VCF-style: chr13-25574860-A-C. GRCh37 (hg19) VCF-style: chr13-26148998-A-C.
Other names: c.1592+3A>C (NM_001313741.1).
Identifiers: ClinVar variation 1441874 (VCV001441874.3), dbSNP rs757702116, ClinGen allele CA6923024.
Genomic context (GRCh38, chr13:25,574,860, plus strand): 5'-TCCTTTAGATGGGACAGGAACAAACATTCGGAATCCTTAATGTCCTGGAATTTTCTAGGT[A>C]TGTTTCTCTTTCATACGTTTGAAATAAAATAATTATATTTATTTACCAGCTTCATCAGAG-3'